The following is an entry in ClinVar:

ClinVar aggregate classification (germline): Uncertain significance (1 of 4 stars; one submission).

Allele frequency attached by ClinVar (database versions not stated): gnomAD exomes below 0.00001.
gnomAD v4.1: 1 of 1,584,098 alleles (0.000063%); highest among the groups gnomAD compares: Admixed American, 0.0018%; no homozygotes.

Submission:

Labcorp Genetics (formerly Invitae), Labcorp
Classification: Uncertain significance. Last evaluated: 2022-10-07. Review status: criteria provided, single submitter. Criteria: Invitae Variant Classification Sherloc (09022015). Collection method: clinical testing. Allele origin: germline.
Comment: In summary, the available evidence is currently insufficient to determine the role of this variant in disease. Therefore, it has been classified as a Variant of Uncertain Significance. Algorithms developed to predict the effect of missense changes on protein structure and function are either unavailable or do not agree on the potential impact of this missense change (SIFT: "Deleterious"; PolyPhen-2: "Not Available"; Align-GVGD: "Class C65"). This variant has not been reported in the literature in individuals affected with ACAN-related conditions. The frequency data for this variant in the population databases is considered unreliable, as metrics indicate poor data quality at this position in the gnomAD database. This sequence change replaces glycine, which is neutral and non-polar, with aspartic acid, which is acidic and polar, at codon 676 of the ACAN protein (p.Gly676Asp).

NM_001369268.1(ACAN):c.2027G>A (p.Gly676Asp)

Gene: ACAN (aggrecan; plus strand). Cytogenetic location: 15q26.1.
Variant type: single nucleotide variant.
Coding change: c.2027G>A on transcript NM_001369268.1 (MANE Select); coding-DNA position 2027, G replaced by A.
Protein change: p.Gly676Asp; replaces glycine 676 with aspartic acid.
Molecular consequence: missense variant.
Genome position (GRCh38, 1-based): chr15:88,851,794, G>A. VCF-style: chr15-88851794-G-A. GRCh37 (hg19) VCF-style: chr15-89395025-G-A.
Other names: c.2027G>A, p.Gly676Asp (NM_001135.4, NM_001411096.1, NM_001411097.1 and 1 more transcripts); short protein forms G676D.
Identifiers: ClinVar variation 2118920 (VCV002118920.4), dbSNP rs982136432, ClinGen allele CA274477414.